The following is an entry in ClinVar:

NM_004360.5(CDH1):c.1840A>T (p.Ile614Phe)

Gene: CDH1 (cadherin 1; plus strand). Cytogenetic location: 16q22.1.
Variant type: single nucleotide variant.
Coding change: c.1840A>T on transcript NM_004360.5 (MANE Select); coding-DNA position 1840, A replaced by T.
Protein change: p.Ile614Phe; replaces isoleucine 614 with phenylalanine.
Molecular consequence: missense variant. On other transcripts: 5 prime UTR variant (1).
Genome position (GRCh38, 1-based): chr16:68,822,129, A>T. VCF-style: chr16-68822129-A-T. GRCh37 (hg19) VCF-style: chr16-68856032-A-T.
Other names: c.1657A>T, p.Ile553Phe (NM_001317184.2); c.292A>T, p.Ile98Phe (NM_001317185.2); c.-126A>T (NM_001317186.2); short protein forms I614F, I553F, I98F.
Identifiers: ClinVar variation 2056076 (VCV002056076.5), dbSNP rs587782838, ClinGen allele CA8130156.

ClinVar aggregate classification (germline): Uncertain significance. Review status: criteria provided, multiple submitters, no conflicts (2 of 4 stars). 2 submissions from 2 submitters: Uncertain significance (2). Last evaluated 2024-12-03.

Conditions:
Hereditary diffuse gastric adenocarcinoma (HDGC). Also called: DIFFUSE GASTRIC AND LOBULAR BREAST CANCER SYNDROME. Identifiers: Orphanet 26106, MedGen C1708349, MONDO:0007648, OMIM 137215.
Hereditary cancer-predisposing syndrome. Also called: Neoplastic Syndromes, Hereditary; Hereditary Cancer Syndrome; Tumor predisposition; Hereditary neoplastic syndrome. Identifiers: Orphanet 140162, MedGen C0027672, MeSH D009386, MONDO:0015356.

Allele frequency attached by ClinVar (database versions not stated): ExAC 0.00001; gnomAD 0.00001; gnomAD exomes 0.00001.
gnomAD v4.1: 5 of 1,614,064 alleles (0.00031%); no homozygotes.

Submissions (2):

Ambry Genetics
Classification: Uncertain significance for Hereditary cancer-predisposing syndrome. Last evaluated: 2024-12-03. Review status: criteria provided, single submitter. Criteria: Ambry Variant Classification Scheme 2023. Collection method: clinical testing. Allele origin: germline.

Labcorp Genetics (formerly Invitae), Labcorp
Classification: Uncertain significance for Hereditary diffuse gastric adenocarcinoma. Last evaluated: 2022-05-23. Review status: criteria provided, single submitter. Criteria: Invitae Variant Classification Sherloc (09022015). Collection method: clinical testing. Allele origin: germline.
Comment: In summary, the available evidence is currently insufficient to determine the role of this variant in disease. Therefore, it has been classified as a Variant of Uncertain Significance. Algorithms developed to predict the effect of missense changes on protein structure and function are either unavailable or do not agree on the potential impact of this missense change (SIFT: "Deleterious"; PolyPhen-2: "Possibly Damaging"; Align-GVGD: "Class C0"). This variant has not been reported in the literature in individuals affected with CDH1-related conditions. This variant is present in population databases (rs587782838, gnomAD 0.0009%). This sequence change replaces isoleucine, which is neutral and non-polar, with phenylalanine, which is neutral and non-polar, at codon 614 of the CDH1 protein (p.Ile614Phe).